The following is an entry in ClinVar:

NM_014989.7(RIMS1):c.1994C>T (p.Pro665Leu)

Gene: RIMS1 (regulating synaptic membrane exocytosis 1; plus strand). Cytogenetic location: 6q13.
Variant type: single nucleotide variant.
Coding change: c.1994C>T on transcript NM_014989.7 (MANE Select); coding-DNA position 1994, C replaced by T.
Protein change: p.Pro665Leu; replaces proline 665 with leucine.
Molecular consequence: missense variant.
Genome position (GRCh38, 1-based): chr6:72,242,350, C>T. VCF-style: chr6-72242350-C-T. GRCh37 (hg19) VCF-style: chr6-72952053-C-T.
Other names: c.173C>T, p.Pro58Leu (NM_001350468.2, NM_001350469.2, NM_001168409.2 and 6 more transcripts); c.371C>T, p.Pro124Leu (NM_001350470.2, NM_001350473.2, NM_001350474.2 and 2 more transcripts); c.347C>T, p.Pro116Leu (NM_001350471.2, NM_001350421.2, NM_001350424.2 and 6 more transcripts); c.416C>T, p.Pro139Leu (NM_001168407.2, NM_001168408.2, NM_001350414.2 and 37 more transcripts); short protein forms P665L, P124L, P116L, P139L, P58L.
Identifiers: ClinVar variation 1503131 (VCV001503131.6), dbSNP rs535265738, ClinGen allele CA3885873.

ClinVar aggregate classification (germline): Uncertain significance (1 of 4 stars; one submission).

Allele frequency attached by ClinVar (database versions not stated): gnomAD 0.00001 and 0.00003; gnomAD exomes 0.00001; TOPMed 0.00002; ExAC 0.00004; 1000 Genomes Project 30x 0.00016; 1000 Genomes Project 0.00020.
gnomAD v4.1: 21 of 1,562,938 alleles (0.0013%); highest among the groups gnomAD compares: South Asian, 0.0047%; no homozygotes.

Submission:

Labcorp Genetics (formerly Invitae), Labcorp
Classification: Uncertain significance. Last evaluated: 2022-02-09. Review status: criteria provided, single submitter. Criteria: Invitae Variant Classification Sherloc (09022015). Collection method: clinical testing. Allele origin: germline.
Comment: In summary, the available evidence is currently insufficient to determine the role of this variant in disease. Therefore, it has been classified as a Variant of Uncertain Significance. Algorithms developed to predict the effect of missense changes on protein structure and function (SIFT, PolyPhen-2, Align-GVGD) all suggest that this variant is likely to be disruptive. This variant has not been reported in the literature in individuals affected with RIMS1-related conditions. The frequency data for this variant in the population databases is considered unreliable, as metrics indicate poor data quality at this position in the gnomAD database. This sequence change replaces proline, which is neutral and non-polar, with leucine, which is neutral and non-polar, at codon 665 of the RIMS1 protein (p.Pro665Leu).